The following is an entry in ClinVar:

ClinVar aggregate classification (germline): Uncertain significance. Review status: criteria provided, multiple submitters, no conflicts (2 of 4 stars). 2 submissions from 2 submitters: Uncertain significance (2). Last evaluated 2024-12-18.

Conditions:
Klippel-Feil anomaly-myopathy-facial dysmorphism syndrome. Also called: Klippel-Feil syndrome 4, autosomal recessive, with myopathy and facial dysmorphism; Klippel-feil syndrome 4, autosomal recessive, with nemaline myopathy and facial dysmorphism. Identifiers: Orphanet 447974, MedGen C4225285, MONDO:0014689, OMIM 616549.

Allele frequency attached by ClinVar (database versions not stated): gnomAD exomes below 0.00001.
gnomAD v4.1: 1 of 1,613,960 alleles (0.000062%); highest among the groups gnomAD compares: African/African-American, 0.0013%; no homozygotes.

Submissions (2):

Genomic Medicine Center of Excellence, King Faisal Specialist Hospital and Research Centre
Classification: Uncertain significance for Klippel-Feil anomaly-myopathy-facial dysmorphism syndrome. Last evaluated: 2024-12-18. Review status: criteria provided, single submitter. Criteria: ACMG Guidelines, 2015. Collection method: clinical testing. Allele origin: germline.

Labcorp Genetics (formerly Invitae), Labcorp
Classification: Uncertain significance. Last evaluated: 2022-10-25. Review status: criteria provided, single submitter. Criteria: Invitae Variant Classification Sherloc (09022015). Collection method: clinical testing. Allele origin: germline.
Comment: This sequence change replaces leucine, which is neutral and non-polar, with valine, which is neutral and non-polar, at codon 1328 of the MYO18B protein (p.Leu1328Val). This variant is not present in population databases (gnomAD no frequency). This variant has not been reported in the literature in individuals affected with MYO18B-related conditions. Algorithms developed to predict the effect of missense changes on protein structure and function are either unavailable or do not agree on the potential impact of this missense change (SIFT: "Not Available"; PolyPhen-2: "Probably Damaging"; Align-GVGD: "Not Available"). In summary, the available evidence is currently insufficient to determine the role of this variant in disease. Therefore, it has been classified as a Variant of Uncertain Significance.

NM_032608.7(MYO18B):c.3982C>G (p.Leu1328Val)

Gene: MYO18B (myosin XVIIIB; plus strand). Cytogenetic location: 22q12.1.
Variant type: single nucleotide variant.
Coding change: c.3982C>G on transcript NM_032608.7 (MANE Select); coding-DNA position 3982, C replaced by G.
Protein change: p.Leu1328Val; replaces leucine 1328 with valine.
Molecular consequence: missense variant.
Genome position (GRCh38, 1-based): chr22:25,874,316, C>G. VCF-style: chr22-25874316-C-G. GRCh37 (hg19) VCF-style: chr22-26270283-C-G.
Other names: c.3985C>G, p.Leu1329Val (NM_001318245.2); short protein forms L1328V, L1329V.
Identifiers: ClinVar variation 1959064 (VCV001959064.5), dbSNP rs914972197, ClinGen allele CA322792600.